The following is an entry in ClinVar:

ClinVar aggregate classification (germline): Uncertain significance (1 of 4 stars; one submission).

Submission:

CeGaT Center for Human Genetics Tuebingen
Classification: Uncertain significance. Last evaluated: 2025-08-01. Review status: criteria provided, single submitter. Criteria: CeGaT Center For Human Genetics Tuebingen Variant Classification Criteria Version 2. Collection method: clinical testing. Allele origin: germline. Affected: yes. Observed: 1 variant allele.
Comment: SLC12A6: PM2, PP3

NM_001365088.1(SLC12A6):c.2570T>C (p.Val857Ala)

Genes: SLC12A6 (solute carrier family 12 member 6; minus strand), LOC126862097 (P300/CBP strongly-dependent group 1 enhancer GRCh37_chr15:34531007-34532206; plus strand). Cytogenetic location: 15q14.
Variant type: single nucleotide variant.
Coding change: c.2570T>C on transcript NM_001365088.1 (MANE Select); coding-DNA position 2570, T replaced by C.
Protein change: p.Val857Ala; replaces valine 857 with alanine.
Molecular consequence: missense variant.
Genome position (GRCh38, 1-based): chr15:34,239,027, A>G on the plus strand (T>C on the coding strand, the complement: SLC12A6 is on the minus strand). VCF-style: chr15-34239027-A-G. GRCh37 (hg19) VCF-style: chr15-34531228-A-G.
Other names: c.2393T>C, p.Val798Ala (NM_001042494.2, NM_001042495.2); c.2543T>C, p.Val848Ala (NM_001042496.2); c.2525T>C, p.Val842Ala (NM_001042497.2); c.2417T>C, p.Val806Ala (NM_005135.2); c.2570T>C, p.Val857Ala (NM_133647.2); short protein forms V798A, V806A, V842A, V848A, V857A.
Identifiers: ClinVar variation 4084607 (VCV004084607.8).